The following is an entry in ClinVar:

ClinVar aggregate classification (germline): Uncertain significance (1 of 4 stars; one submission).

Allele frequency attached by ClinVar (database versions not stated): gnomAD exomes below 0.00001; TOPMed 0.00001.
gnomAD v4.1: 3 of 1,609,522 alleles (0.00019%); highest among the groups gnomAD compares: Non-Finnish European, 0.00017%; no homozygotes.

Submission:

GeneDx
Classification: Uncertain significance. Last evaluated: 2022-04-12. Review status: criteria provided, single submitter. Criteria: GeneDx Variant Classification Process June 2021. Collection method: clinical testing. Allele origin: germline. Affected: yes.
Comment: Not observed at significant frequency in large population cohorts (gnomAD); In silico analysis supports that this missense variant does not alter protein structure/function; Has not been previously published as pathogenic or benign to our knowledge

NM_001348768.2(HECW2):c.895C>T (p.Leu299Phe)

Gene: HECW2 (HECT, C2 and WW domain containing E3 ubiquitin protein ligase 2; minus strand). Cytogenetic location: 2q32.3.
Variant type: single nucleotide variant.
Coding change: c.895C>T on transcript NM_001348768.2 (MANE Select); coding-DNA position 895, C replaced by T.
Protein change: p.Leu299Phe; replaces leucine 299 with phenylalanine.
Molecular consequence: missense variant. On other transcripts: intron variant (1).
Genome position (GRCh38, 1-based): chr2:196,320,429, G>A on the plus strand (C>T on the coding strand, the complement: HECW2 is on the minus strand). VCF-style: chr2-196320429-G-A. GRCh37 (hg19) VCF-style: chr2-197185153-G-A.
Other names: c.895C>T, p.Leu299Phe (NM_020760.4); c.-83-525C>T (NM_001304840.3); short protein forms L299F.
Identifiers: ClinVar variation 1710731 (VCV001710731.2), dbSNP rs1034417031, ClinGen allele CA62785113.